The following is an entry in ClinVar:

ClinVar aggregate classification (germline): Uncertain significance. Review status: criteria provided, multiple submitters, no conflicts (2 of 4 stars). 2 submissions from 2 submitters: Uncertain significance (2). Last evaluated 2024-09-09.

Conditions:
Autosomal dominant nonsyndromic hearing loss 17. Also called: Deafness, autosomal dominant 17; Autosomal dominant nonsyndromic deafness 17. Identifiers: Orphanet 90635, MedGen C1863659, MONDO:0011350, OMIM 603622.
Macrothrombocytopenia and granulocyte inclusions with or without nephritis or sensorineural hearing loss (MATINS). Also called: BLEEDING DISORDER, PLATELET-TYPE, 6; MAY-HEGGLIN ANOMALY; SEBASTIAN PLATELET SYNDROME; MACROTHROMBOCYTOPENIA WITH DISPERSED LEUKOCYTIC INCLUSIONS; MACROTHROMBOCYTOPENIA, NEPHRITIS, AND DEAFNESS; MACROTHROMBOCYTOPENIA, NEPHRITIS, DEAFNESS, AND LEUKOCYTE INCLUSIONS. Identifiers: Orphanet 182050, MedGen C5200934, MONDO:0015912, OMIM 155100.

Allele frequency attached by ClinVar (database versions not stated): ExAC 0.00001; gnomAD 0.00001; gnomAD exomes 0.00001; TOPMed 0.00002.
gnomAD v4.1: 13 of 1,613,194 alleles (0.00081%); highest among the groups gnomAD compares: Admixed American, 0.0017%; no homozygotes.

Submissions (2):

Labcorp Genetics (formerly Invitae), Labcorp
Classification: Uncertain significance. Last evaluated: 2024-09-09. Review status: criteria provided, single submitter. Criteria: Invitae Variant Classification Sherloc (09022015). Collection method: clinical testing. Allele origin: germline.
Comment: This sequence change replaces arginine, which is basic and polar, with histidine, which is basic and polar, at codon 693 of the MYH9 protein (p.Arg693His). This variant is present in population databases (rs764189836, gnomAD 0.002%). This variant has not been reported in the literature in individuals affected with MYH9-related conditions. ClinVar contains an entry for this variant (Variation ID: 1917399). Invitae Evidence Modeling of protein sequence and biophysical properties (such as structural, functional, and spatial information, amino acid conservation, physicochemical variation, residue mobility, and thermodynamic stability) has been performed for this missense variant. However, the output from this modeling did not meet the statistical confidence thresholds required to predict the impact of this variant on MYH9 protein function. In summary, the available evidence is currently insufficient to determine the role of this variant in disease. Therefore, it has been classified as a Variant of Uncertain Significance.

Fulgent Genetics
Classification: Uncertain significance for Macrothrombocytopenia and granulocyte inclusions with or without nephritis or sensorineural hearing loss; Autosomal dominant nonsyndromic hearing loss 17. Last evaluated: 2024-05-21. Review status: criteria provided, single submitter. Criteria: ACMG Guidelines, 2015. Collection method: clinical testing. Allele origin: germline.

NM_002473.6(MYH9):c.2078G>A (p.Arg693His)

Gene: MYH9 (myosin heavy chain 9; minus strand). Cytogenetic location: 22q12.3.
Variant type: single nucleotide variant.
Coding change: c.2078G>A on transcript NM_002473.6 (MANE Select); coding-DNA position 2078, G replaced by A.
Protein change: p.Arg693His; replaces arginine 693 with histidine.
Molecular consequence: missense variant.
Genome position (GRCh38, 1-based): chr22:36,306,011, C>T on the plus strand (G>A on the coding strand, the complement: MYH9 is on the minus strand). VCF-style: chr22-36306011-C-T. GRCh37 (hg19) VCF-style: chr22-36702057-C-T.
Other names: short protein forms R693H.
Identifiers: ClinVar variation 1917399 (VCV001917399.6), dbSNP rs764189836, ClinGen allele CA10210092.
Genomic context (GRCh38, chr22:36,306,011, plus strand): 5'-ACCACCCTGTTGGGGAAGCCCTGGCGGCAGATACGGATGCCCTCGAGAACACCGTTGCAG[C>T]GCAGCTGGTCCAGCACGAGATGCGGGTCCAGCTTGCCGGCCTGGAGAAGAAAACACATGC-3'
Protein context (NP_002464.1, residues 683-703): LDPHLVLDQL[Arg693His]CNGVLEGIRI